The following is an entry in ClinVar:

ClinVar aggregate classification (germline): Likely benign (1 of 4 stars; one submission).

Allele frequency attached by ClinVar (database versions not stated): 1000 Genomes Project 0.00080.

Submission:

CeGaT Center for Human Genetics Tuebingen
Classification: Likely benign. Last evaluated: 2024-03-01. Review status: criteria provided, single submitter. Criteria: CeGaT Center For Human Genetics Tuebingen Variant Classification Criteria Version 2. Collection method: clinical testing. Allele origin: germline. Affected: yes. Observed: 1 variant allele.
Comment: TPRX1: BP4, BP7

NM_001397346.1(TPRX1):c.636T>C (p.Ile212=)

Gene: TPRX1 (tetrapeptide repeat homeobox 1; minus strand). Cytogenetic location: 19q13.33.
Variant type: single nucleotide variant.
Coding change: c.636T>C on transcript NM_001397346.1 (MANE Select); coding-DNA position 636, T replaced by C.
Protein change: p.Ile212=; no amino-acid change (isoleucine 212 retained).
Molecular consequence: synonymous variant.
Genome position (GRCh38, 1-based): chr19:47,802,540, A>G on the plus strand (T>C on the coding strand, the complement: TPRX1 is on the minus strand). VCF-style: chr19-47802540-A-G. GRCh37 (hg19) VCF-style: chr19-48305797-A-G.
Other names: c.762T>C, p.Ile254= (NM_198479.3).
Identifiers: ClinVar variation 3067181 (VCV003067181.21), dbSNP rs559470611, ClinGen allele CA309235490.